The following is an entry in ClinVar:

NM_006129.5(BMP1):c.2645A>G (p.Asn882Ser)

Gene: BMP1 (bone morphogenetic protein 1; plus strand). Cytogenetic location: 8p21.3.
Variant type: single nucleotide variant.
Coding change: c.2645A>G on transcript NM_006129.5 (MANE Select); coding-DNA position 2645, A replaced by G.
Protein change: p.Asn882Ser; replaces asparagine 882 with serine.
Molecular consequence: missense variant. On other transcripts: non-coding transcript variant (1).
Genome position (GRCh38, 1-based): chr8:22,209,514, A>G. VCF-style: chr8-22209514-A-G. GRCh37 (hg19) VCF-style: chr8-22067027-A-G.
Other names: short protein forms N882S.
Identifiers: ClinVar variation 1305483 (VCV001305483.2), dbSNP rs2131904903, ClinGen allele CA370511302.
Genomic context (GRCh38, chr8:22,209,514, plus strand): 5'-GCCAGGTACGGGCAGACGTGAAGACCAAGGACCTTTACTCCCACGCCCAGTTTGGCGACA[A>G]CAACTACCCTGGGGGTGTGGACTGTGAGTGGGTCATTGTGGCCGAGGAAGGCTACGGCGT-3'
Protein context (NP_006120.1, residues 872-892): DLYSHAQFGD[Asn882Ser]NYPGGVDCEW

ClinVar aggregate classification (germline): Uncertain significance (1 of 4 stars; one submission).

gnomAD v4.1: 1 of 1,614,214 alleles (0.000062%); no homozygotes.

Submission:

GeneDx
Classification: Uncertain significance. Last evaluated: 2019-04-29. Review status: criteria provided, single submitter. Criteria: GeneDx Variant Classification Process June 2021. Collection method: clinical testing. Allele origin: germline. Affected: yes.
Comment: Not observed in large population cohorts (Lek et al., 2016); In silico analysis, which includes protein predictors and evolutionary conservation, supports that this variant does not alter protein structure/function; Has not been previously published as pathogenic or benign to our knowledge